The following is an entry in ClinVar:

ClinVar aggregate classification (germline): Uncertain significance (1 of 4 stars; one submission).

Conditions:
FLNB-related disorder. Also called: FLNB-related condition; FLNB-related disorders. Identifiers: MedGen CN381095.

gnomAD v4.1: 2 of 1,613,996 alleles (0.00012%); no homozygotes.

Submission:

PreventionGenetics, part of Exact Sciences
Classification: Uncertain significance for FLNB-related condition. Last evaluated: 2023-02-08. Review status: criteria provided, single submitter. Criteria: ACMG Guidelines, 2015. Collection method: clinical testing. Allele origin: germline.
Comment: The FLNB c.3220G>A variant is predicted to result in the amino acid substitution p.Gly1074Ser. To our knowledge, this variant has not been reported in the literature or in a large population database, indicating this variant is rare. At this time, the clinical significance of this variant is uncertain due to the absence of conclusive functional and genetic evidence.

NM_001457.4(FLNB):c.3220G>A (p.Gly1074Ser)

Gene: FLNB (filamin B; plus strand). Cytogenetic location: 3p14.3.
Variant type: single nucleotide variant.
Coding change: c.3220G>A on transcript NM_001457.4 (MANE Select); coding-DNA position 3220, G replaced by A.
Protein change: p.Gly1074Ser; replaces glycine 1074 with serine.
Molecular consequence: missense variant.
Genome position (GRCh38, 1-based): chr3:58,123,186, G>A. VCF-style: chr3-58123186-G-A. GRCh37 (hg19) VCF-style: chr3-58108913-G-A.
Other names: c.3220G>A, p.Gly1074Ser (NM_001164317.2, NM_001164318.2, NM_001164319.2); short protein forms G1074S.
Identifiers: ClinVar variation 2630229 (VCV002630229.1), dbSNP rs2471123187, ClinGen allele CA353348339.